The following is an entry in ClinVar:

ClinVar aggregate classification (germline): Uncertain significance (1 of 4 stars; one submission).

Conditions:
Inborn genetic diseases. Identifiers: MedGen C0950123, MeSH D030342.

Submission:

Ambry Genetics
Classification: Uncertain significance for Inborn genetic diseases. Last evaluated: 2024-03-28. Review status: criteria provided, single submitter. Criteria: Ambry Variant Classification Scheme 2023. Collection method: clinical testing. Allele origin: germline.
Comment: The p.N1286K variant (also known as c.3858T>A), located in coding exon 28 of the LRRK2 gene, results from a T to A substitution at nucleotide position 3858. The asparagine at codon 1286 is replaced by lysine, an amino acid with similar properties. This amino acid position is conserved. In addition, this alteration is predicted to be tolerated by in silico analysis. Based on the available evidence, the clinical significance of this alteration remains unclear.

NM_198578.4(LRRK2):c.3858T>A (p.Asn1286Lys)

Gene: LRRK2 (leucine rich repeat kinase 2; plus strand). Cytogenetic location: 12q12.
Variant type: single nucleotide variant.
Coding change: c.3858T>A on transcript NM_198578.4 (MANE Select); coding-DNA position 3858, T replaced by A.
Protein change: p.Asn1286Lys; replaces asparagine 1286 with lysine.
Molecular consequence: missense variant.
Genome position (GRCh38, 1-based): chr12:40,305,865, T>A. VCF-style: chr12-40305865-T-A. GRCh37 (hg19) VCF-style: chr12-40699667-T-A.
Other names: short protein forms N1286K.
Identifiers: ClinVar variation 3291940 (VCV003291940.1).